The following is an entry in ClinVar:

ClinVar aggregate classification (germline): Uncertain significance (1 of 4 stars; one submission).

Conditions:
Hypertrophic cardiomyopathy. Also called: HYPERTROPHIC MYOCARDIOPATHY. Identifiers: Orphanet 217569, MedGen C0007194, MeSH D002312, MONDO:0005045, HP:0001639.

Submission:

Labcorp Genetics (formerly Invitae), Labcorp
Classification: Uncertain significance for Hypertrophic cardiomyopathy. Last evaluated: 2023-04-11. Review status: criteria provided, single submitter. Criteria: Invitae Variant Classification Sherloc (09022015). Collection method: clinical testing. Allele origin: germline.
Comment: In summary, the available evidence is currently insufficient to determine the role of this variant in disease. Therefore, it has been classified as a Variant of Uncertain Significance. An algorithm developed to predict the effect of missense changes on protein structure and function (PolyPhen-2) suggests that this variant is likely to be disruptive. This variant has not been reported in the literature in individuals affected with MYBPC3-related conditions. This variant is not present in population databases (gnomAD no frequency). This sequence change replaces aspartic acid, which is acidic and polar, with tyrosine, which is neutral and polar, at codon 214 of the MYBPC3 protein (p.Asp214Tyr).

NM_000256.3(MYBPC3):c.640G>T (p.Asp214Tyr)

Gene: MYBPC3 (myosin binding protein C3; minus strand). Cytogenetic location: 11p11.2.
Variant type: single nucleotide variant.
Coding change: c.640G>T on transcript NM_000256.3 (MANE Select); coding-DNA position 640, G replaced by T.
Protein change: p.Asp214Tyr; replaces aspartic acid 214 with tyrosine.
Molecular consequence: missense variant.
Genome position (GRCh38, 1-based): chr11:47,349,788, C>A on the plus strand (G>T on the coding strand, the complement: MYBPC3 is on the minus strand). VCF-style: chr11-47349788-C-A. GRCh37 (hg19) VCF-style: chr11-47371339-C-A.
Other names: short protein forms D214Y.
Identifiers: ClinVar variation 2855031 (VCV002855031.3), dbSNP rs769167548, ClinGen allele CA380337193.
Genomic context (GRCh38, chr11:47,349,788, plus strand): 5'-CTCCATGTCCCCTCTCTCCGTGTCTCCACGACCCCGGTGGACCCACCTTGCTGGCGCGGT[C>A]GTAGCTGTCGTGCAGCTGCAGGTGCTGGCCCACCTTGCTGCTCAGGTCCACCCATTTGCC-3'
Protein context (NP_000247.2, residues 204-224): GQHLQLHDSY[Asp214Tyr]RASKVYLFEL